The following is an entry in ClinVar:

ClinVar aggregate classification (germline): Pathogenic/Likely pathogenic. Review status: criteria provided, multiple submitters, no conflicts (2 of 4 stars). 6 submissions from 6 submitters: Pathogenic (2); Likely pathogenic (3). 1 of the submissions does not count toward it. Last evaluated 2026-01-22.

Conditions:
Retinal dystrophy. Also called: Inherited retinal dystrophy. Identifiers: Orphanet 71862, MedGen C0854723, MeSH D058499, MONDO:0019118, HP:0000556.
Leber congenital amaurosis 8 (LCA8). Identifiers: Orphanet 65, MedGen C3151202, MONDO:0013453, OMIM 613835.
Leber congenital amaurosis (LCA). Also called: Leber's amaurosis. Identifiers: Orphanet 65, MedGen C0339527, MeSH D057130, MONDO:0018998.
CRB1-related disorder. Also called: CRB1-related disorders; CRB1-related condition.
Retinitis pigmentosa 12 (RP12). Also called: RP WITH OR WITHOUT PPRPE; RP WITH OR WITHOUT PRESERVED PARAARTERIOLE RETINAL PIGMENT EPITHELIUM; RETINITIS PIGMENTOSA WITH OR WITHOUT PARAARTERIOLAR PRESERVATION OF RETINAL PIGMENT EPITHELIUM. Identifiers: Orphanet 791, MedGen C1838647, MONDO:0010818, OMIM 600105.

Allele frequency attached by ClinVar (database versions not stated): gnomAD exomes below 0.00001.
gnomAD v4.1: 1 of 1,613,926 alleles (0.000062%); highest among the groups gnomAD compares: South Asian, 0.0011%; no homozygotes.

Submissions (6):

Natera, Inc.
Classification: Likely pathogenic for Leber congenital amaurosis. Last evaluated: 2026-01-22. Review status: criteria provided, single submitter. Criteria: Natera Variant Classification Schema (03/2026). Collection method: clinical testing. Allele origin: germline.
Comment: The c.3074G>A variant in CRB1 is a missense variant predicted to cause substitution of serine to asparagine at amino acid 1025. This variant is rare in the general population with a frequency below the threshold expected for the associated phenotype(s). This variant has been observed in one or more individuals affected with the associated recessive disease, as either homozygous or compound heterozygous with a second variant (PMID: 37544434, 27208204, 33579689). Additionally, this variant has been observed to segregate in affected family members (PMID: 39462066). Given the available evidence, this variant is classified as Likely Pathogenic.

Labcorp Genetics (formerly Invitae), Labcorp
Classification: Pathogenic for Leber congenital amaurosis 8; Retinitis pigmentosa 12. Last evaluated: 2024-05-26. Review status: criteria provided, single submitter. Criteria: Invitae Variant Classification Sherloc (09022015). Collection method: clinical testing. Allele origin: germline.
Comment: This sequence change replaces serine, which is neutral and polar, with asparagine, which is neutral and polar, at codon 1025 of the CRB1 protein (p.Ser1025Asn). This variant is not present in population databases (gnomAD no frequency). This missense change has been observed in individual(s) with CRB1-related conditions (PMID: 20956273, 27208204, 28559085, 32856788, 36460718). In at least one individual the data is consistent with being in trans (on the opposite chromosome) from a pathogenic variant. ClinVar contains an entry for this variant (Variation ID: 973913). Advanced modeling of protein sequence and biophysical properties (such as structural, functional, and spatial information, amino acid conservation, physicochemical variation, residue mobility, and thermodynamic stability) has been performed at Invitae for this missense variant, however the output from this modeling did not meet the statistical confidence thresholds required to predict the impact of this variant on CRB1 protein function. This variant disrupts the p.Ser1025 amino acid residue in CRB1. Other variant(s) that disrupt this residue have been observed in individuals with CRB1-related conditions (PMID: 15024725), which suggests that this may be a clinically significant amino acid residue. For these reasons, this variant has been classified as Pathogenic.

Blueprint Genetics
Classification: Pathogenic for CRB1-related disorders. Last evaluated: 2024-01-23. Review status: criteria provided, single submitter. Criteria: ACMG Guidelines, 2015. Collection method: clinical testing. Allele origin: germline. Affected: yes. Observed: 2 variant alleles.

Women's Health and Genetics/Laboratory Corporation of America, LabCorp
Classification: Likely pathogenic for Retinal dystrophy. Last evaluated: 2023-08-03. Review status: criteria provided, single submitter. Criteria: LabCorp Variant Classification Summary - May 2015. Collection method: clinical testing. Allele origin: germline.
Comment: Variant summary: CRB1 c.3074G>A (p.Ser1025Asn) results in a conservative amino acid change located in the laminin G domain (IPR001791) of the encoded protein sequence. Three of five in-silico tools predict a benign effect of the variant on protein function. The variant was absent in 251002 control chromosomes (gnomAD). c.3074G>A has been reported in the literature in multiple individuals affected with Retinal Dystrophy (e.g. Henderson_2011, Ellingford_2016, Stone_2017, Hull_2020, Talib_2022, Karali_2022, Daich Varela_2023). These data indicate that the variant is likely to be associated with disease. To our knowledge, no experimental evidence demonstrating an impact on protein function has been reported. The following publications have been ascertained in the context of this evaluation (PMID: 36099972, 27208204, 20956273, 32856788, 28559085, 33579689, 36460718). No submitters have cited clinical-significance assessments for this variant to ClinVar after 2014. Based on the evidence outlined above, the variant was classified as likely pathogenic.

Institute of Human Genetics, Univ. Regensburg, Univ. Regensburg
Classification: Likely pathogenic for Retinal dystrophy. Last evaluated: 2017-01-01. Review status: criteria provided, single submitter. Criteria: ACMG Guidelines, 2015. Collection method: clinical testing. Allele origin: germline. Affected: yes.

Laboratory of Genetics in Ophthalmology, Institut Imagine
Classification: Likely pathogenic for Leber congenital amaurosis 8. Review status: no assertion criteria provided. Collection method: research. Allele origin: inherited. Affected: yes. Observed: 1 variant allele. Not counted in ClinVar's aggregate classification.

Literature cited by the submitters: PubMed 37544434 (cited by Natera, Inc.); PubMed 27208204 (cited by 3 submitters); PubMed 33579689 (cited by Natera, Inc. and Women's Health and Genetics/Laboratory Corporation of America, LabCorp); PubMed 39462066 (cited by Natera, Inc.); PubMed 20956273 (cited by 4 submitters); PubMed 28559085 (cited by 3 submitters); PubMed 32856788 (cited by Labcorp Genetics (formerly Invitae), Labcorp and Women's Health and Genetics/Laboratory Corporation of America, LabCorp); PubMed 36460718 (cited by 3 submitters); PubMed 15024725 (cited by Labcorp Genetics (formerly Invitae), Labcorp); PubMed 36099972 (cited by Women's Health and Genetics/Laboratory Corporation of America, LabCorp).

NM_201253.3(CRB1):c.3074G>A (p.Ser1025Asn)

Gene: CRB1 (crumbs cell polarity complex component 1; plus strand). Cytogenetic location: 1q31.3.
Variant type: single nucleotide variant.
Coding change: c.3074G>A on transcript NM_201253.3 (MANE Select); coding-DNA position 3074, G replaced by A.
Protein change: p.Ser1025Asn; replaces serine 1025 with asparagine.
Molecular consequence: missense variant. On other transcripts: non-coding transcript variant (2), intron variant (1).
Genome position (GRCh38, 1-based): chr1:197,434,937, G>A. VCF-style: chr1-197434937-G-A. GRCh37 (hg19) VCF-style: chr1-197404067-G-A.
Other names: c.2738G>A, p.Ser913Asn (NM_001193640.2); c.3002G>A, p.Ser1001Asn (NM_001257965.2); c.2129-663G>A (NM_001257966.2); short protein forms S1001N, S1025N, S913N.
Identifiers: ClinVar variation 973913 (VCV000973913.7), dbSNP rs62636274, ClinGen allele CA344045220.